The following is an entry in ClinVar:

NM_020806.5(GPHN):c.1144+6A>G

Gene: GPHN (gephyrin; plus strand). Cytogenetic location: 14q23.3.
Variant type: single nucleotide variant.
Coding change: c.1144+6A>G on transcript NM_020806.5 (MANE Select); 6 bases into the intron after coding-DNA position 1144, A replaced by G.
Molecular consequence: intron variant.
Genome position (GRCh38, 1-based): chr14:67,058,792, A>G. VCF-style: chr14-67058792-A-G. GRCh37 (hg19) VCF-style: chr14-67525509-A-G.
Other names: c.1204+6A>G (NM_001377514.1); c.1084+6A>G (NM_001377519.1); c.1174+6A>G (NM_001377515.1); c.1165+6A>G (NM_001377516.1); c.1102+6A>G (NM_001377518.1); c.1117+6A>G (NM_001377517.1); c.1045+6A>G (NM_001024218.2).
Identifiers: ClinVar variation 1437398 (VCV001437398.7), dbSNP rs753331634, ClinGen allele CA390258621.

ClinVar aggregate classification (germline): Uncertain significance (1 of 4 stars; one submission).

Conditions:
Sulfite oxidase deficiency due to molybdenum cofactor deficiency type C. Also called: Molybdenum cofactor deficiency, complementation group C; Molybdenum cofactor deficiency C. Identifiers: Orphanet 308400, Orphanet 833, MedGen C1854990, MONDO:0014212, OMIM 615501.

Allele frequency attached by ClinVar (database versions not stated): TOPMed 0.00001.
gnomAD v4.1: 1 of 1,612,390 alleles (0.000062%); no homozygotes.

Submission:

Labcorp Genetics (formerly Invitae), Labcorp
Classification: Uncertain significance for Sulfite oxidase deficiency due to molybdenum cofactor deficiency type C. Last evaluated: 2025-06-23. Review status: criteria provided, single submitter. Criteria: Invitae Variant Classification Sherloc (09022015). Collection method: clinical testing. Allele origin: germline.
Comment: This sequence change falls in intron 11 of the GPHN gene. It does not directly change the encoded amino acid sequence of the GPHN protein. It affects a nucleotide within the consensus splice site. This variant is not present in population databases (gnomAD no frequency). This variant has not been reported in the literature in individuals affected with GPHN-related conditions. ClinVar contains an entry for this variant (Variation ID: 1437398). Variants that disrupt the consensus splice site are a relatively common cause of aberrant splicing (PMID: 17576681, 9536098). Algorithms developed to predict the effect of sequence changes on RNA splicing suggest that this variant is not likely to affect RNA splicing. In summary, the available evidence is currently insufficient to determine the role of this variant in disease. Therefore, it has been classified as a Variant of Uncertain Significance.

Literature cited by the submitters: PubMed 17576681; PubMed 9536098.